The following is an entry in ClinVar:

ClinVar aggregate classification (germline): Conflicting classifications of pathogenicity. Review status: criteria provided, conflicting classifications (1 of 4 stars). 2 submissions from 2 submitters: Uncertain significance (1); Likely benign (1). Last evaluated 2026-01-27.

Conditions:
Inborn genetic diseases. Identifiers: MedGen C0950123, MeSH D030342.

Allele frequency attached by ClinVar (database versions not stated): ExAC 0.00003; TOPMed 0.00005; gnomAD exomes 0.00006; gnomAD 0.00011; 1000 Genomes Project 30x 0.00016.
gnomAD v4.1: 115 of 1,614,166 alleles (0.0071%); highest among the groups gnomAD compares: East Asian, 0.016%; no homozygotes.

Submissions (2):

Labcorp Genetics (formerly Invitae), Labcorp
Classification: Uncertain significance. Last evaluated: 2026-01-27. Review status: criteria provided, single submitter. Criteria: Invitae Variant Classification Sherloc (09022015). Collection method: clinical testing. Allele origin: germline.
Comment: This sequence change replaces threonine, which is neutral and polar, with methionine, which is neutral and non-polar, at codon 273 of the TNFRSF11A protein (p.Thr273Met). This variant is present in population databases (rs756829516, gnomAD 0.02%). This variant has not been reported in the literature in individuals affected with TNFRSF11A-related conditions. ClinVar contains an entry for this variant (Variation ID: 1522893). An algorithm developed to predict the effect of missense changes on protein structure and function outputs the following: PolyPhen-2: "Benign". The methionine amino acid residue is found in multiple mammalian species, which suggests that this missense change does not adversely affect protein function. In summary, the available evidence is currently insufficient to determine the role of this variant in disease. Therefore, it has been classified as a Variant of Uncertain Significance.

Ambry Genetics
Classification: Likely benign for Inborn genetic diseases. Last evaluated: 2024-09-10. Review status: criteria provided, single submitter. Criteria: Ambry Variant Classification Scheme 2023. Collection method: clinical testing. Allele origin: germline.

NM_003839.4(TNFRSF11A):c.818C>T (p.Thr273Met)

Gene: TNFRSF11A (TNF receptor superfamily member 11a; plus strand). Cytogenetic location: 18q21.33.
Variant type: single nucleotide variant.
Coding change: c.818C>T on transcript NM_003839.4 (MANE Select); coding-DNA position 818, C replaced by T.
Protein change: p.Thr273Met; replaces threonine 273 with methionine.
Molecular consequence: missense variant. On other transcripts: intron variant (3).
Genome position (GRCh38, 1-based): chr18:62,368,735, C>T. VCF-style: chr18-62368735-C-T. GRCh37 (hg19) VCF-style: chr18-60035968-C-T.
Other names: c.776C>T, p.Thr259Met (NM_001278268.2); c.783+1975C>T (NM_001270949.2); c.730+6942C>T (NM_001270950.2); c.616+8686C>T (NM_001270951.2); c.818C>T (NM_003839.2); short protein forms T259M, T273M.
Identifiers: ClinVar variation 1522893 (VCV001522893.7), dbSNP rs756829516, ClinGen allele CA8983874.